The following is an entry in ClinVar:

NM_001366521.1(ATP2B1):c.2053C>G (p.Pro685Ala)

Gene: ATP2B1 (ATPase plasma membrane Ca2+ transporting 1; minus strand). Cytogenetic location: 12q21.33.
Variant type: single nucleotide variant.
Coding change: c.2053C>G on transcript NM_001366521.1 (MANE Select); coding-DNA position 2053, C replaced by G.
Protein change: p.Pro685Ala; replaces proline 685 with alanine.
Molecular consequence: missense variant. On other transcripts: non-coding transcript variant (3).
Genome position (GRCh38, 1-based): chr12:89,616,816, G>C on the plus strand (C>G on the coding strand, the complement: ATP2B1 is on the minus strand). VCF-style: chr12-89616816-G-C. GRCh37 (hg19) VCF-style: chr12-90010593-G-C.
Other names: c.2053C>G, p.Pro685Ala (NM_001001323.2, NM_001366520.1, NM_001366522.1 and 12 more transcripts); c.1855C>G, p.Pro619Ala (NM_001366530.1, NM_001413053.1); c.1492C>G, p.Pro498Ala (NM_001366531.1, NM_001366532.1, NM_001413058.1 and 2 more transcripts); c.2014C>G, p.Pro672Ala (NM_001413048.1); c.1912C>G, p.Pro638Ala (NM_001413051.1, NM_001413052.1, NM_001413055.1); c.1810C>G, p.Pro604Ala (NM_001413054.1); c.1798C>G, p.Pro600Ala (NM_001413056.1); c.1600C>G, p.Pro534Ala (NM_001413057.1); short protein forms P498A, P534A, P600A, P604A, P619A, P638A, P672A, P685A.
Identifiers: ClinVar variation 4292940 (VCV004292940.1).
Genomic context (GRCh38, chr12:89,616,816, plus strand): 5'-ATAGTTATGAGATTCTGCACATGCAGAACACAGAATGTTTCACCACCTCAGGTCTCACAG[G>C]ATCTTCAATCCCCACAACAGCAATGCATGTAAGGCCGGTGACAATATCATTTTCATTATC-3'
Protein context (NP_001353450.1, residues 675-695): TCIAVVGIED[Pro685Ala]VRPEVPDAIK

ClinVar aggregate classification (germline): Uncertain significance (1 of 4 stars; one submission).

Conditions:
Intellectual developmental disorder, autosomal dominant 66. Also called: MENTAL RETARDATION, AUTOSOMAL DOMINANT 66. Identifiers: MedGen C5677000, MONDO:0030891, OMIM 619910.

Submission:

3billion
Classification: Uncertain significance for Intellectual developmental disorder, autosomal dominant 66. Last evaluated: 2024-07-18. Review status: criteria provided, single submitter. Criteria: ACMG Guidelines, 2015. Collection method: clinical testing. Allele origin: germline. Affected: yes.
Comment: The variant is not observed in the gnomAD v4.0.0 dataset. Predicted Consequence/Location: Missense variant In silico tool predictions suggest damaging effect of the variant on gene or gene product [REVEL: 0.76 (>=0.6, sensitivity 0.68 and specificity 0.92); 3Cnet: 0.82 (>=0.6, sensitivity 0.72 and precision 0.9)]. Therefore, this variant is classified as VUS according to the recommendation of ACMG/AMP guideline.